The following is an entry in ClinVar:

ClinVar aggregate classification (germline): Pathogenic. Review status: criteria provided, multiple submitters, no conflicts (2 of 4 stars). 2 submissions from 2 submitters: Pathogenic (2). Last evaluated 2025-11-18.

Conditions:
Hereditary cancer-predisposing syndrome. Also called: Hereditary neoplastic syndrome; Hereditary Cancer Syndrome; Neoplastic Syndromes, Hereditary; Tumor predisposition. Identifiers: Orphanet 140162, MedGen C0027672, MeSH D009386, MONDO:0015356.
Familial cancer of breast. Also called: Hereditary breast cancer; BREAST CANCER, FAMILIAL; hereditary breast carcinoma. Identifiers: Orphanet 227535, MedGen C0346153, MONDO:0016419, OMIM 114480. Disease mechanism: loss of function.

Submissions (2):

Ambry Genetics
Classification: Pathogenic for Hereditary cancer-predisposing syndrome. Last evaluated: 2025-11-18. Review status: criteria provided, single submitter. Criteria: Ambry Variant Classification Scheme 2023. Collection method: clinical testing. Allele origin: germline.
Comment: The c.1197delT pathogenic mutation, located in coding exon 10 of the CHEK2 gene, results from a deletion of one nucleotide at nucleotide position 1197, causing a translational frameshift with a predicted alternate stop codon (p.T401Lfs*13). This variant is considered to be rare based on population cohorts in the Genome Aggregation Database (gnomAD). This alteration is expected to result in loss of function by premature protein truncation or nonsense-mediated mRNA decay. As such, this alteration is interpreted as a disease-causing mutation.

Myriad Genetics, Inc.
Classification: Pathogenic for Familial cancer of breast. Last evaluated: 2023-06-28. Review status: criteria provided, single submitter. Criteria: Myriad Autosomal Dominant, Autosomal Recessive and X-Linked Classification Criteria (2023). Collection method: clinical testing. Allele origin: unknown.
Comment: This variant is considered pathogenic. This variant creates a frameshift predicted to result in premature protein truncation.

NM_007194.4(CHEK2):c.1197del (p.Thr401fs)

Gene: CHEK2 (checkpoint kinase 2; minus strand). Cytogenetic location: 22q12.1.
Variant type: Deletion.
Coding change: c.1197del on transcript NM_007194.4 (MANE Select); coding-DNA position 1197, one base deleted (T; older notation c.1197delT).
Protein change: p.Thr401fs; shifts the reading frame from threonine 401.
Molecular consequence: frameshift variant.
Genome position (GRCh38, 1-based): chr22:28,695,772, A deleted on the plus strand (T on the coding strand, the reverse complement: CHEK2 is on the minus strand); the first of 2 consecutive A bases (chr22:28,695,772-28,695,773); deleting either gives the same sequence. VCF-style (leftmost placement, unchanged base first): chr22-28695771-CA-C. GRCh37 (hg19) VCF-style: chr22-29091759-CA-C.
Other names: c.1325delT, p.Thr444Leufs (NM_001005735.3); c.533delT, p.Thr180Leufs (NM_001257387.3); c.995delT, p.Thr334Leufs (NM_001349956.3); c.1109delT, p.Thr372Leufs (NM_145862.3); short protein forms T180fs, T372fs, T401fs, T444fs, T334fs.
Identifiers: ClinVar variation 229960 (VCV000229960.8), dbSNP rs876658302, ClinGen allele CA10581047.